The following is an entry in ClinVar:

NM_015662.3(IFT172):c.2747C>T (p.Pro916Leu)

Genes: IFT172 (intraflagellar transport 172; minus strand), LOC126806174 (CDK7 strongly-dependent group 2 enhancer GRCh37_chr2:27681686-27682885; plus strand). Cytogenetic location: 2p23.3.
Variant type: single nucleotide variant.
Coding change: c.2747C>T on transcript NM_015662.3 (MANE Select); coding-DNA position 2747, C replaced by T.
Protein change: p.Pro916Leu; replaces proline 916 with leucine.
Molecular consequence: missense variant.
Genome position (GRCh38, 1-based): chr2:27,459,418, G>A on the plus strand (C>T on the coding strand, the complement: IFT172 is on the minus strand). VCF-style: chr2-27459418-G-A. GRCh37 (hg19) VCF-style: chr2-27682285-G-A.
Other names: c.2681C>T, p.Pro894Leu (NM_001410739.1); short protein forms P894L, P916L.
Identifiers: ClinVar variation 2148108 (VCV002148108.4), dbSNP rs2465864363, ClinGen allele CA346382221.

ClinVar aggregate classification (germline): Uncertain significance (1 of 4 stars; one submission).

Conditions:
Retinitis pigmentosa 71 (RP71). Identifiers: Orphanet 791, MedGen C4225342, MONDO:0014618, OMIM 616394.
Short-rib thoracic dysplasia 10 with or without polydactyly (SRTD10). Identifiers: Orphanet 474, MedGen C3810175, MONDO:0014284, OMIM 615630.

Submission:

Labcorp Genetics (formerly Invitae), Labcorp
Classification: Uncertain significance for Retinitis pigmentosa 71; Short-rib thoracic dysplasia 10 with or without polydactyly. Last evaluated: 2025-02-06. Review status: criteria provided, single submitter. Criteria: Invitae Variant Classification Sherloc (09022015). Collection method: clinical testing. Allele origin: germline.
Comment: This sequence change replaces proline, which is neutral and non-polar, with leucine, which is neutral and non-polar, at codon 916 of the IFT172 protein (p.Pro916Leu). This variant is not present in population databases (gnomAD no frequency). This variant has not been reported in the literature in individuals affected with IFT172-related conditions. ClinVar contains an entry for this variant (Variation ID: 2148108). Invitae Evidence Modeling of protein sequence and biophysical properties (such as structural, functional, and spatial information, amino acid conservation, physicochemical variation, residue mobility, and thermodynamic stability) indicates that this missense variant is not expected to disrupt IFT172 protein function with a negative predictive value of 95%. In summary, the available evidence is currently insufficient to determine the role of this variant in disease. Therefore, it has been classified as a Variant of Uncertain Significance.